The following is an entry in ClinVar:

ClinVar aggregate classification (germline): Conflicting classifications of pathogenicity. Review status: criteria provided, conflicting classifications (1 of 4 stars). 6 submissions from 6 submitters: Uncertain significance (4); Likely benign (1). 1 of the submissions does not count toward it. Last evaluated 2025-12-22.

Conditions:
Hereditary cancer-predisposing syndrome. Also called: Tumor predisposition; Hereditary neoplastic syndrome; Hereditary Cancer Syndrome; Neoplastic Syndromes, Hereditary. Identifiers: Orphanet 140162, MedGen C0027672, MeSH D009386, MONDO:0015356.
Hereditary breast ovarian cancer syndrome. Also called: Hereditary breast and/or ovarian cancer syndrome; Breast and ovarian cancer; Hereditary breast and ovarian cancer syndrome; Hereditary breast and ovarian cancer; Hereditary breast and ovarian cancer syndrome (HBOC); BRCA1- and BRCA2-Associated Hereditary Breast and Ovarian Cancer. Identifiers: Orphanet 145, MedGen C0677776, MeSH D061325, MONDO:0003582. Disease mechanism: loss of function.
Breast-ovarian cancer, familial, susceptibility to, 1 (BROVCA1). Also called: BRCA1 Hereditary Breast and Ovarian Cancer; OVARIAN CANCER, SUSCEPTIBILITY TO. Identifiers: Orphanet 145, MedGen C2676676, MONDO:0011450, OMIM 604370. Disease mechanism: loss of function.

gnomAD v4.1: 1 of 1,614,180 alleles (0.000062%); highest among the groups gnomAD compares: South Asian, 0.0011%; no homozygotes.

Submissions (6):

Ambry Genetics
Classification: Uncertain significance for Hereditary cancer-predisposing syndrome. Last evaluated: 2025-12-22. Review status: criteria provided, single submitter. Criteria: Ambry Variant Classification Scheme 2023. Collection method: clinical testing. Allele origin: germline.
Comment: The p.V412I variant (also known as c.1234G>A), located in coding exon 9 of the BRCA1 gene, results from a G to A substitution at nucleotide position 1234. The valine at codon 412 is replaced by isoleucine, an amino acid with highly similar properties. In addition, the in silico prediction for this alteration is inconclusive. Since supporting evidence is limited at this time, the clinical significance of this alteration remains unclear.

Labcorp Genetics (formerly Invitae), Labcorp
Classification: Uncertain significance for Hereditary breast ovarian cancer syndrome. Last evaluated: 2025-11-22. Review status: criteria provided, single submitter. Criteria: Invitae Variant Classification Sherloc (09022015). Collection method: clinical testing. Allele origin: germline.
Comment: This sequence change replaces valine, which is neutral and non-polar, with isoleucine, which is neutral and non-polar, at codon 412 of the BRCA1 protein (p.Val412Ile). This variant is not present in population databases (gnomAD no frequency). This variant has not been reported in the literature in individuals affected with BRCA1-related conditions. ClinVar contains an entry for this variant (Variation ID: 156182). Invitae Evidence Modeling of protein sequence and biophysical properties (such as structural, functional, and spatial information, amino acid conservation, physicochemical variation, residue mobility, and thermodynamic stability) indicates that this missense variant is not expected to disrupt BRCA1 protein function with a negative predictive value of 80%. In summary, the available evidence is currently insufficient to determine the role of this variant in disease. Therefore, it has been classified as a Variant of Uncertain Significance.

GeneDx
Classification: Uncertain significance. Last evaluated: 2023-09-10. Review status: criteria provided, single submitter. Criteria: GeneDx Variant Classification Process June 2021. Collection method: clinical testing. Allele origin: germline. Affected: yes.
Comment: Observed in individuals with breast and/or ovarian cancer (Gao et al., 2020); Published protein based functional assays suggest no damaging effect: neutral in three homologous recombination repair complementation assays (Bouwman et al., 2020); Not observed at significant frequency in large population cohorts (gnomAD); In silico analysis supports that this missense variant does not alter protein structure/function; Also known as 1353G>A; This variant is associated with the following publications: (PMID: 20215511, 10426999, 9582019, 9926942, 15343273, 29884841, 32546644, 31853058, 30702160, 31825140)

University of Washington Department of Laboratory Medicine, University of Washington
Classification: Likely benign for Hereditary cancer-predisposing syndrome. Last evaluated: 2023-03-23. Review status: criteria provided, single submitter. Criteria: Dines et al. (Genet Med. 2020). Collection method: curation. Allele origin: germline.
Comment: Missense variant in a coldspot region where missense variants are very unlikely to be pathogenic (PMID:31911673).

BRCA1 coldspot (exon 11 using historical exon numbering). Reclassification based on statistical prior probability

Color Diagnostics, LLC DBA Color Health
Classification: Uncertain significance for Hereditary cancer-predisposing syndrome. Last evaluated: 2019-09-04. Review status: criteria provided, single submitter. Criteria: ACMG Guidelines, 2015. Collection method: clinical testing. Allele origin: germline.
Comment: This missense variant replaces valine with isoleucine at codon 412 of the BRCA1 protein. Computational prediction tools and conservation analyses suggest that this variant may not impact protein structure and function. Splice site prediction tools suggest that this variant may not impact RNA splicing. To our knowledge, functional studies have not been performed for this variant. This variant has not been reported in individuals affected with hereditary cancer in the literature. This variant has not been identified in the general population by the Genome Aggregation Database (gnomAD). The available evidence is insufficient to determine the role of this variant in disease conclusively. Therefore, this variant is classified as a Variant of Uncertain Significance.

Sharing Clinical Reports Project (SCRP)
Classification: Uncertain significance for Breast-ovarian cancer, familial 1. Last evaluated: 2012-12-15. Review status: no assertion criteria provided. Collection method: clinical testing. Allele origin: germline. Not counted in ClinVar's aggregate classification.

Literature cited by the submitters: PubMed 25186627 (cited by Ambry Genetics).

NM_007294.4(BRCA1):c.1234G>A (p.Val412Ile)

Gene: BRCA1 (BRCA1 DNA repair associated; minus strand). Cytogenetic location: 17q21.31.
Variant type: single nucleotide variant.
Coding change: c.1234G>A on transcript NM_007294.4 (MANE Select); coding-DNA position 1234, G replaced by A.
Protein change: p.Val412Ile; replaces valine 412 with isoleucine.
Molecular consequence: missense variant. On other transcripts: intron variant (137).
Genome position (GRCh38, 1-based): chr17:43,094,297, C>T on the plus strand (G>A on the coding strand, the complement: BRCA1 is on the minus strand). VCF-style: chr17-43094297-C-T. GRCh37 (hg19) VCF-style: chr17-41246314-C-T.
Other names: p.V412I:GTA>ATA; 1353G>A; c.1231G>A, p.Val411Ile (NM_001407614.1, NM_001407615.1, NM_001407633.1 and 22 more transcripts); c.1234G>A, p.Val412Ile (NM_001407616.1, NM_001407617.1, NM_001407618.1 and 30 more transcripts); c.1156G>A, p.Val386Ile (NM_001407655.1, NM_001407656.1, NM_001407657.1 and 4 more transcripts); c.1153G>A, p.Val385Ile (NM_001407659.1, NM_001407660.1, NM_001407661.1 and 1 more transcripts); c.1111G>A, p.Val371Ile (NM_001407664.1, NM_001407674.1, NM_001407675.1 and 19 more transcripts); c.1093G>A, p.Val365Ile (NM_001407694.1, NM_001407695.1, NM_001407696.1 and 29 more transcripts); and 42 more; short protein forms V412I, V365I, V364I, V244I, V284I, V285I, V300I, V301I.
Identifiers: ClinVar variation 156182 (VCV000156182.25), dbSNP rs587776478, ClinGen allele CA000812.